The following is an entry in ClinVar:

ClinVar aggregate classification (germline): Uncertain significance (1 of 4 stars; one submission).

Submission:

Labcorp Genetics (formerly Invitae), Labcorp
Classification: Uncertain significance. Last evaluated: 2022-01-07. Review status: criteria provided, single submitter. Criteria: Invitae Variant Classification Sherloc (09022015). Collection method: clinical testing. Allele origin: germline.
Comment: In summary, the available evidence is currently insufficient to determine the role of this variant in disease. Therefore, it has been classified as a Variant of Uncertain Significance. Algorithms developed to predict the effect of missense changes on protein structure and function are either unavailable or do not agree on the potential impact of this missense change (SIFT: "Deleterious"; PolyPhen-2: "Probably Damaging"; Align-GVGD: "Class C0"). This variant has not been reported in the literature in individuals affected with ABCA4-related conditions. This variant is not present in population databases (gnomAD no frequency). This sequence change replaces leucine, which is neutral and non-polar, with isoleucine, which is neutral and non-polar, at codon 1845 of the ABCA4 protein (p.Leu1845Ile).

NM_000350.3(ABCA4):c.5533C>A (p.Leu1845Ile)

Gene: ABCA4 (ATP binding cassette subfamily A member 4; minus strand). Cytogenetic location: 1p22.1.
Variant type: single nucleotide variant.
Coding change: c.5533C>A on transcript NM_000350.3 (MANE Select); coding-DNA position 5533, C replaced by A.
Protein change: p.Leu1845Ile; replaces leucine 1845 with isoleucine.
Molecular consequence: missense variant.
Genome position (GRCh38, 1-based): chr1:94,011,313, G>T on the plus strand (C>A on the coding strand, the complement: ABCA4 is on the minus strand). VCF-style: chr1-94011313-G-T. GRCh37 (hg19) VCF-style: chr1-94476869-G-T.
Other names: c.5311C>A, p.Leu1771Ile (NM_001425324.1); short protein forms L1845I, L1771I.
Identifiers: ClinVar variation 2077278 (VCV002077278.4), dbSNP rs1659540392, ClinGen allele CA341281071.